The following is an entry in ClinVar:

NM_001903.5(CTNNA1):c.587A>G (p.Gln196Arg)

Gene: CTNNA1 (catenin alpha 1; plus strand). Cytogenetic location: 5q31.2.
Variant type: single nucleotide variant.
Coding change: c.587A>G on transcript NM_001903.5 (MANE Select); coding-DNA position 587, A replaced by G.
Protein change: p.Gln196Arg; replaces glutamine 196 with arginine.
Molecular consequence: missense variant.
Genome position (GRCh38, 1-based): chr5:138,812,301, A>G. VCF-style: chr5-138812301-A-G. GRCh37 (hg19) VCF-style: chr5-138147990-A-G.
Other names: c.587A>G, p.Gln196Arg (NM_001290307.3, NM_001323982.2, NM_001323983.1 and 3 more transcripts); c.278A>G, p.Gln93Arg (NM_001290309.3); c.218A>G, p.Gln73Arg (NM_001290310.3); short protein forms Q73R, Q196R, Q93R.
Identifiers: ClinVar variation 1367869 (VCV001367869.8), dbSNP rs2149736908, ClinGen allele CA361125723.

ClinVar aggregate classification (germline): Uncertain significance (1 of 4 stars; one submission).

Submission:

Labcorp Genetics (formerly Invitae), Labcorp
Classification: Uncertain significance. Last evaluated: 2021-01-29. Review status: criteria provided, single submitter. Criteria: Invitae Variant Classification Sherloc (09022015). Collection method: clinical testing. Allele origin: germline.
Comment: Algorithms developed to predict the effect of missense changes on protein structure and function are either unavailable or do not agree on the potential impact of this missense change (SIFT: "Deleterious"; PolyPhen-2: "Benign"; Align-GVGD: "Class C0"). This variant has not been reported in the literature in individuals with CTNNA1-related conditions. This variant is not present in population databases (ExAC no frequency). This sequence change replaces glutamine with arginine at codon 196 of the CTNNA1 protein (p.Gln196Arg). The glutamine residue is highly conserved and there is a small physicochemical difference between glutamine and arginine. In summary, the available evidence is currently insufficient to determine the role of this variant in disease. Therefore, it has been classified as a Variant of Uncertain Significance. Algorithms developed to predict the effect of sequence changes on RNA splicing suggest that this variant may disrupt the consensus splice site, but this prediction has not been confirmed by published transcriptional studies.